The following is an entry in ClinVar:

ClinVar aggregate classification (germline): Pathogenic. Review status: criteria provided, multiple submitters, no conflicts (2 of 4 stars). 7 submissions from 7 submitters: Pathogenic (6). 1 of the submissions does not count toward it. Last evaluated 2025-11-28.

Conditions:
Cardiovascular phenotype. Identifiers: MedGen CN230736.
Alstrom syndrome (ALMS). Identifiers: Orphanet 64, MedGen C0268425, MONDO:0008763, OMIM 203800.

Allele frequency attached by ClinVar (database versions not stated): TOPMed below 0.00001; gnomAD 0.00001; gnomAD exomes 0.00001.
gnomAD v4.1: 13 of 1,613,836 alleles (0.00081%); highest among the groups gnomAD compares: South Asian, 0.0044%; no homozygotes.

Submissions (7):

Labcorp Genetics (formerly Invitae), Labcorp
Classification: Pathogenic for Alstrom syndrome. Last evaluated: 2025-11-28. Review status: criteria provided, single submitter. Criteria: Invitae Variant Classification Sherloc (09022015). Collection method: clinical testing. Allele origin: germline.
Comment: This sequence change creates a premature translational stop signal (p.Arg3609*) in the ALMS1 gene. It is expected to result in an absent or disrupted protein product. Loss-of-function variants in ALMS1 are known to be pathogenic (PMID: 17594715). This variant is not present in population databases (gnomAD no frequency). This premature translational stop signal has been observed in individual(s) with clinical features of Alström syndrome (PMID: 17594715, 30029497). ClinVar contains an entry for this variant (Variation ID: 488677). For these reasons, this variant has been classified as Pathogenic.

Natera, Inc.
Classification: Pathogenic for Alstrom syndrome. Last evaluated: 2025-01-23. Review status: criteria provided, single submitter. Criteria: Natera Variant Classification Schema (03/2026). Collection method: clinical testing. Allele origin: germline.
Comment: The c.10825C>T variant in ALMS1 is a nonsense variant predicted to introduce a stop codon at amino acid 3609. This variant is expected to result in nonsense mediated decay, truncation, or a dysfunctional protein product. This variant is rare in the general population with a frequency below the threshold expected for the associated phenotype(s). This variant has been observed in one or more individuals affected with the associated recessive disease, as either homozygous or compound heterozygous with a second variant (PMID: 25296579, 31755649). Given the available evidence, this variant is classified as Pathogenic.

Ambry Genetics
Classification: Pathogenic for Cardiovascular phenotype. Last evaluated: 2024-06-05. Review status: criteria provided, single submitter. Criteria: Ambry Variant Classification Scheme 2023. Collection method: clinical testing. Allele origin: germline.
Comment: The p.R3609* pathogenic mutation (also known as c.10825C>T), located in coding exon 16 of the ALMS1 gene, results from a C to T substitution at nucleotide position 10825. This changes the amino acid from an arginine to a stop codon within coding exon 16. This mutation has been reported in association with Alstrom syndrome (Marshall JD et al. Hum Mutat, 2007 Nov;28:1114-23; Huang L et al. Ophthalmic Genet, 2022 Aug;43:573-575). This variant is considered to be rare based on population cohorts in the Genome Aggregation Database (gnomAD). In addition to the clinical data presented in the literature, this alteration is expected to result in loss of function by premature protein truncation or nonsense-mediated mRNA decay. As such, this alteration is interpreted as a disease-causing mutation.

CeGaT Center for Human Genetics Tuebingen
Classification: Pathogenic. Last evaluated: 2021-09-01. Review status: criteria provided, single submitter. Criteria: CeGaT Center For Human Genetics Tuebingen Variant Classification Criteria Version 2. Collection method: clinical testing. Allele origin: germline. Affected: yes. Observed: 1 variant allele.

GeneDx
Classification: Pathogenic. Last evaluated: 2017-10-20. Review status: criteria provided, single submitter. Criteria: GeneDx Variant Classification (06012015). Collection method: clinical testing. Allele origin: germline. Affected: yes.
Comment: The R3609X pathogenic variant in the ALMS1 gene has been previously reported in at least one Turkish male with Alstrom syndrome who was found to harbor a second protein-truncating variant in the ALMS1 gene (Marshall et al., 2007; OzantÃ¼rk et al., 2015). The R3609X variant is predicted to cause loss of normal protein function either by protein truncation or nonsense-mediated mRNA decay. Many other nonsense variants in the ALMS1 gene have been reported in Human Gene Mutation Database in association with Alstrom syndrome (Stenson et al., 2014). Furthermore, R3609X is not observed in large population cohorts (Lek et al., 2016).In summary, R3609X in the ALMS1 gene is interpreted as a pathogenic variant.

Juno Genomics, Hangzhou Juno Genomics, Inc
Classification: Pathogenic for Alstrom syndrome. Review status: criteria provided, single submitter. Criteria: ACMG Guidelines, 2015. Collection method: clinical testing. Allele origin: germline.
Comment: Absent from controls (or at extremely low frequency if recessive) in Genome Aggregation Database.;Null variant in a gene where loss of function (LOF) is a known mechanism of disease.;For recessive disorders, detected in trans with a pathogenic variant.

Counsyl
Classification: Likely pathogenic for Alstrom syndrome. Last evaluated: 2017-04-29. Review status: no assertion criteria provided. Collection method: clinical testing. Allele origin: unknown. Not counted in ClinVar's aggregate classification.

Literature cited by the submitters: PubMed 17594715 (cited by Labcorp Genetics (formerly Invitae), Labcorp and Ambry Genetics); PubMed 30029497 (cited by Labcorp Genetics (formerly Invitae), Labcorp); PubMed 25296579 (cited by Natera, Inc.); PubMed 31755649 (cited by Natera, Inc.); PubMed 35786123 (cited by Ambry Genetics).

NM_001378454.1(ALMS1):c.10822C>T (p.Arg3608Ter)

Gene: ALMS1 (ALMS1 centrosome and basal body associated protein; plus strand). Cytogenetic location: 2p13.1.
Variant type: single nucleotide variant.
Coding change: c.10822C>T on transcript NM_001378454.1 (MANE Select); coding-DNA position 10822, C replaced by T.
Protein change: p.Arg3608Ter; replaces arginine 3608 with a stop codon.
Molecular consequence: nonsense.
Genome position (GRCh38, 1-based): chr2:73,572,699, C>T. VCF-style: chr2-73572699-C-T. GRCh37 (hg19) VCF-style: chr2-73799826-C-T.
Other names: c.10825C>T, p.Arg3609Ter (NM_015120.4); short protein forms R3609*, R3608*.
Identifiers: ClinVar variation 488677 (VCV000488677.51), dbSNP rs1192396248, ClinGen allele CA347285703.
Genomic context (GRCh38, chr2:73,572,699, plus strand): 5'-CCAGAGCAAACAACTCAGCACACTGTGAGTTTGAATGAACTGTGGAACAAGTATCGGGAG[C>T]GACAGAGGCAACAGAGACAGCCTGAGTTGGGTGACAGGAAAGAACTGTCCTTGGTGGACC-3'